The following is an entry in ClinVar:

NM_002637.4(PHKA1):c.3242A>C (p.Lys1081Thr)

Gene: PHKA1 (phosphorylase kinase regulatory subunit alpha 1; minus strand). Cytogenetic location: Xq13.1.
Variant type: single nucleotide variant.
Coding change: c.3242A>C on transcript NM_002637.4 (MANE Select); coding-DNA position 3242, A replaced by C.
Protein change: p.Lys1081Thr; replaces lysine 1081 with threonine.
Molecular consequence: missense variant.
Genome position (GRCh38, 1-based): chrX:72,593,105, T>G on the plus strand (A>C on the coding strand, the complement: PHKA1 is on the minus strand). VCF-style: chrX-72593105-T-G. GRCh37 (hg19) VCF-style: chrX-71812955-T-G.
Other names: c.3203A>C, p.Lys1068Thr (NM_001122670.2); c.3026A>C, p.Lys1009Thr (NM_001172436.2); short protein forms K1009T, K1068T, K1081T.
Identifiers: ClinVar variation 3336433 (VCV003336433.1).
Genomic context (GRCh38, chrX:72,593,105, plus strand): 5'-CAAGGAGACTGAGAATTTCAAGGGGCAAAAATGAGACATCAACAATGTATTATGCTCACC[T>G]TCTGCAAAACTTTCCATACTTTCTGATAAAATCCAACTGGAACTCTATTCAGTGCCCCAT-3'
Protein context (NP_002628.2, residues 1071-1091): FYQKVWKVLQ[Lys1081Thr]CHGLSVEGFV

ClinVar aggregate classification (germline): Uncertain significance (1 of 4 stars; one submission).

gnomAD v4.1: 10 of 1,176,026 alleles (0.00085%); highest among the groups gnomAD compares: Middle Eastern, 0.19%; no homozygotes.

Submission:

Women's Health and Genetics/Laboratory Corporation of America, LabCorp
Classification: Uncertain significance. Last evaluated: 2024-05-31. Review status: criteria provided, single submitter. Criteria: LabCorp Variant Classification Summary - May 2015. Collection method: clinical testing. Allele origin: germline.
Comment: Variant summary: PHKA1 c.3242A>C (p.Lys1081Thr) results in a non-conservative amino acid change located in the Phosphorylase b kinase regulatory subunit alpha/beta, C-terminal domain (IPR045583) of the encoded protein sequence. Five of five in-silico tools predict a damaging effect of the variant on protein function. Consensus agreement among computation tools predict no significant impact on normal splicing. However, these predictions have yet to be confirmed by functional studies. The variant allele was found at a frequency of 5.5e-06 in 183317 control chromosomes (gnomAD). The available data on variant occurrences in the general population are insufficient to allow any conclusion about variant significance. c.3242A>C has been reported in the literature in an individual affected with clinical features (motor developmental delay, speech delay, ataxia) of an unspecified neurological disorder (vanderVen_2021). This report does not provide unequivocal conclusions about association of the variant with Glycogen Phosphorylase Kinase Deficiency. To our knowledge, no experimental evidence demonstrating an impact on protein function has been reported. The following publication has been ascertained in the context of this evaluation (PMID: 34490615). No submitters have cited clinical-significance assessments for this variant to ClinVar. Based on the evidence outlined above, the variant was classified as uncertain significance.

Literature cited by the submitters: PubMed 34490615.